The following is an entry in ClinVar:

ClinVar aggregate classification (germline): Benign (1 of 4 stars; one submission).

Allele frequency attached by ClinVar (database versions not stated): 1000 Genomes Project 0.06849; 1000 Genomes Project 30x 0.07027; TOPMed 0.12367; gnomAD 0.13767; gnomAD exomes 0.18604.
gnomAD v4.1: 203,595 of 1,135,214 alleles (18%); highest among the groups gnomAD compares: Non-Finnish European, 21%; 21,130 homozygotes.

Submission:

Unidad de Genómica Garrahan, Hospital de Pediatría Garrahan
Classification: Benign. Last evaluated: 2024-01-24. Review status: criteria provided, single submitter. Criteria: ACMG Guidelines, 2015. Collection method: clinical testing. Allele origin: germline. Affected: no. Observed: 24 variant alleles.
Comment: This variant is classified as Benign based on local population frequency. This variant was detected in 25% of patients studied by a panel of primary immunodeficiencies. Number of patients: 24. Only high quality variants are reported.

NM_032802.4(SPPL2A):c.451-66A>G

Gene: SPPL2A (signal peptide peptidase like 2A; minus strand). Cytogenetic location: 15q21.2.
Variant type: single nucleotide variant.
Coding change: c.451-66A>G on transcript NM_032802.4 (MANE Select); 66 bases into the intron before coding-DNA position 451, A replaced by G.
Molecular consequence: intron variant.
Genome position (GRCh38, 1-based): chr15:50,747,694, T>C on the plus strand (A>G on the coding strand, the complement: SPPL2A is on the minus strand). VCF-style: chr15-50747694-T-C. GRCh37 (hg19) VCF-style: chr15-51039891-T-C.
Identifiers: ClinVar variation 2688293 (VCV002688293.2), dbSNP rs17599340, ClinGen allele CA15839297.